The following is an entry in ClinVar:

ClinVar aggregate classification (germline): Uncertain significance (1 of 4 stars; one submission).

gnomAD v4.1: 5 of 1,614,030 alleles (0.00031%); highest among the groups gnomAD compares: African/African-American, 0.0013%; no homozygotes.

Submission:

Labcorp Genetics (formerly Invitae), Labcorp
Classification: Uncertain significance. Last evaluated: 2025-02-27. Review status: criteria provided, single submitter. Criteria: Invitae Variant Classification Sherloc (09022015). Collection method: clinical testing. Allele origin: germline.
Comment: This sequence change replaces serine, which is neutral and polar, with threonine, which is neutral and polar, at codon 186 of the FOCAD protein (p.Ser186Thr). This variant is not present in population databases (gnomAD no frequency). This variant has not been reported in the literature in individuals affected with FOCAD-related conditions. Experimental studies and prediction algorithms are not available or were not evaluated, and the functional significance of this variant is currently unknown. In summary, the available evidence is currently insufficient to determine the role of this variant in disease. Therefore, it has been classified as a Variant of Uncertain Significance.

NM_001375567.1(FOCAD):c.556T>A (p.Ser186Thr)

Gene: FOCAD (focadhesin; plus strand). Cytogenetic location: 9p21.3.
Variant type: single nucleotide variant.
Coding change: c.556T>A on transcript NM_001375567.1 (MANE Select); coding-DNA position 556, T replaced by A.
Protein change: p.Ser186Thr; replaces serine 186 with threonine.
Molecular consequence: missense variant.
Genome position (GRCh38, 1-based): chr9:20,764,930, T>A. VCF-style: chr9-20764930-T-A. GRCh37 (hg19) VCF-style: chr9-20764929-T-A.
Other names: c.556T>A, p.Ser186Thr (NM_001375568.1, NM_017794.5); c.451T>A, p.Ser151Thr (NM_001375570.1); short protein forms S186T, S151T.
Identifiers: ClinVar variation 4740706 (VCV004740706.1).